The following continues an entry in ClinVar:

NM_000518.5(HBB):c.93-22_95del

ClinVar aggregate classification (germline): Pathogenic. Pathogenic (15).

Submissions 13 to 18 of 18:

Ambry Genetics
Classification: Pathogenic for Inborn genetic diseases. Last evaluated: 2017-06-16. Review status: criteria provided, single submitter. Criteria: Ambry Variant Classification Scheme 2023. Collection method: clinical testing. Allele origin: germline.
Comment: The c.93-22_95del25 pathogenic mutation, located at the boundary of intron 1 and coding exon 2 of the HBB gene, results from a deletion of 25 nucleotides between nucleotide positions 93-22 and 95. This alteration is predicted to disrupt the canonical splice acceptor site sequence and result in the deletion of three nucleotides from coding exon 2. In addition to the clinical data presented in the literature, alterations that disrupt the canonical splice donor site are typically deleterious in nature, this alteration is interpreted as a disease-causing mutation.

Juno Genomics, Hangzhou Juno Genomics, Inc
Classification: Pathogenic for Beta-thalassemia HBB/LCRB. Review status: criteria provided, single submitter. Criteria: ACMG Guidelines, 2015. Collection method: clinical testing. Allele origin: germline. Affected: yes.
Comment: Absent from controls (or at extremely low frequency if recessive) in Genome Aggregation Database, Exome Sequencing Project, 1000 Genomes Project, or Exome Aggregation Consortium.;Null variant in a gene where loss of function (LOF) is a known mechanism of disease.;The prevalence of the variant in affected individuals is significantly increased compared to the prevalence in controls.

Neuberg Centre For Genomic Medicine, NCGM
Classification: Pathogenic for Beta-thalassemia HBB/LCRB. Review status: criteria provided, single submitter. Criteria: ACMG Guidelines, 2015. Collection method: clinical testing. Allele origin: germline. Inheritance: Autosomal recessive inheritance. Affected: yes.
Comment: The invariant splice acceptor variant c.93-22_95del in HBB gene has been observed in compound heterozygous state in multiple individuals with beta-thalassemia Adekile et. al., 2015; Thein SL, 2013. This variant is also known as IVS-1, 25bp del. Studies have shown that this variant alters HBB gene expression Orkin et. al., 1983. The c.93-22_95del variant is novel not in any individuals in gnomAD Exomes and 1000 Genomes. This variant has been reported to the ClinVar database as Pathogenic by multiple submitters. This variant results in the deletion of part of exon 2 c.93-22_95del of the HBB gene. It is expected to disrupt RNA splicing. Variants that disrupt the donor or acceptor splice site typically lead to a loss of protein function Baralle et. al., 2005, and loss-of-function variants in HBB are known to be pathogenic Thein SL, 2013. For these reasons, this variant has been classified as Pathogenic.

Zotz-Klimas Genetics Lab, MVZ Zotz Klimas
Classification: Pathogenic for Beta-thalassemia HBB/LCRB. Last evaluated: 2023-11-24. Review status: no assertion criteria provided. Collection method: clinical testing. Allele origin: germline. Affected: yes. Not counted in ClinVar's aggregate classification.

OMIM
Classification: Pathogenic for BETA-ZERO-THALASSEMIA. Last evaluated: 1983-07-25. Review status: no assertion criteria provided. Collection method: literature only. Allele origin: germline. Not counted in ClinVar's aggregate classification.

Dubai Health Genomic Medicine Center, Dubai Health
Classification: Pathogenic. Last evaluated: 2020-07-21. Review status: flagged submission. Criteria: ACMG Guidelines, 2015. Collection method: clinical testing. Allele origin: germline. Affected: yes. Not counted in ClinVar's aggregate classification.
Comment: The c.93-22_95del variant in HBB is a well-known beta-zero (B0) allele (HbVar ID: 974). The variant affects the splice acceptor site of HBB exon 2 and has been experimentally shown to cause defective mRNA splicing (PMID: 6190800) which is then predicted to lead to protein loss of function. In summary this variant meets our criteria to be classified as pathogenic.
ClinVar note: Reason: This record appears to be redundant with a more recent record from the same submitter.
ClinVar note: Notes: SCV001984021 appears to be redundant with SCV002818275.

Literature cited by the submitters: PubMed 36703223 (cited by Natera, Inc.); PubMed 26076396 (cited by 3 submitters); PubMed 6190800 (cited by 4 submitters); PubMed 16199547 (cited by Labcorp Genetics (formerly Invitae), Labcorp); PubMed 23637309 (cited by Labcorp Genetics (formerly Invitae), Labcorp and Women's Health and Genetics/Laboratory Corporation of America, LabCorp); PubMed 20437613 (cited by Labcorp Genetics (formerly Invitae), Labcorp); PubMed 6308558 (cited by OMIM).